The following is an entry in ClinVar:

ClinVar aggregate classification (germline): Pathogenic (1 of 4 stars; one submission).

Conditions:
Osteogenesis imperfecta type I (OI1). Also called: Classic Non-deforming Osteogenesis Imperfecta with Blue Sclerae; Lobstein's Disease; Lobstein disease; OI, TYPE I; OSTEOGENESIS IMPERFECTA TARDA; OSTEOGENESIS IMPERFECTA WITH BLUE SCLERAE. Identifiers: Orphanet 216796, Orphanet 666, MedGen C0023931, MONDO:0008146, OMIM 166200. Disease mechanism: loss of function.

Submission:

Labcorp Genetics (formerly Invitae), Labcorp
Classification: Pathogenic for Osteogenesis imperfecta type I. Last evaluated: 2021-11-28. Review status: criteria provided, single submitter. Criteria: Invitae Variant Classification Sherloc (09022015). Collection method: clinical testing. Allele origin: germline.
Comment: This sequence change creates a premature translational stop signal (p.Gly1213Alafs*26) in the COL1A1 gene. It is expected to result in an absent or disrupted protein product. Loss-of-function variants in COL1A1 are known to be pathogenic (PMID: 7942841, 9295084, 9443882). For these reasons, this variant has been classified as Pathogenic. This variant is also known as c.3637delG. This premature translational stop signal has been observed in individual(s) with osteogenesis imperfecta type I (PMID: 22206639). This variant is not present in population databases (gnomAD no frequency).

Literature cited by the submitters: PubMed 7942841; PubMed 9295084; PubMed 9443882; PubMed 22206639.

NM_000088.4(COL1A1):c.3638del (p.Gly1213fs)

Gene: COL1A1 (collagen type I alpha 1 chain; minus strand). Cytogenetic location: 17q21.33.
Variant type: Deletion.
Coding change: c.3638del on transcript NM_000088.4 (MANE Select); coding-DNA position 3638, one base deleted (G; older notation c.3638delG).
Protein change: p.Gly1213fs; shifts the reading frame from glycine 1213.
Molecular consequence: frameshift variant.
Genome position (GRCh38, 1-based): chr17:50,186,816, C deleted on the plus strand (G on the coding strand, the reverse complement: COL1A1 is on the minus strand); the first of 2 consecutive C bases (chr17:50,186,816-50,186,817); deleting either gives the same sequence. VCF-style (leftmost placement, unchanged base first): chr17-50186815-GC-G. GRCh37 (hg19) VCF-style: chr17-48264176-GC-G.
Other names: short protein forms G1213fs.
Identifiers: ClinVar variation 1430891 (VCV001430891.6), dbSNP rs2144537204, ClinGen allele CA2573154172.